The following is an entry in ClinVar:

ClinVar aggregate classification (germline): Conflicting classifications of pathogenicity. Review status: criteria provided, conflicting classifications (1 of 4 stars). 4 submissions from 4 submitters: Uncertain significance (1); Likely benign (3). Last evaluated 2026-09-01.

Conditions:
Cardiovascular phenotype. Identifiers: MedGen CN230736.
Alagille syndrome due to a JAG1 point mutation. Also called: HEPATIC DUCTULAR HYPOPLASIA, SYNDROMATIC; Alagille Syndrome 1; JAG1-Related Alagille Syndrome. Identifiers: Orphanet 261619, Orphanet 52, MedGen C1956125, MONDO:0016862, OMIM 118450.

Allele frequency attached by ClinVar (database versions not stated): gnomAD exomes below 0.00001.
gnomAD v4.1: 6 of 1,613,614 alleles (0.00037%); highest among the groups gnomAD compares: Middle Eastern, 0.016%; no homozygotes.

Submissions (4):

CeGaT Center for Human Genetics Tuebingen
Classification: Likely benign. Last evaluated: 2026-09-01. Review status: criteria provided, single submitter. Criteria: CeGaT Center For Human Genetics Tuebingen Variant Classification Criteria Version 2. Collection method: clinical testing. Allele origin: germline. Affected: yes. Observed: 1 variant allele.
Comment: JAG1: BP4

Ambry Genetics
Classification: Likely benign for Cardiovascular phenotype. Last evaluated: 2026-05-17. Review status: criteria provided, single submitter. Criteria: Ambry Variant Classification Scheme 2023. Collection method: clinical testing. Allele origin: germline.

Labcorp Genetics (formerly Invitae), Labcorp
Classification: Likely benign for Alagille syndrome due to a JAG1 point mutation. Last evaluated: 2023-05-17. Review status: criteria provided, single submitter. Criteria: Invitae Variant Classification Sherloc (09022015). Collection method: clinical testing. Allele origin: germline.

Blueprint Genetics
Classification: Uncertain significance. Last evaluated: 2020-11-27. Review status: criteria provided, single submitter. Criteria: ACMG Guidelines, 2015. Collection method: clinical testing. Allele origin: germline.

NM_000214.3(JAG1):c.1916G>A (p.Arg639Lys)

Gene: JAG1 (jagged canonical Notch ligand 1; minus strand). Cytogenetic location: 20p12.2.
Variant type: single nucleotide variant.
Coding change: c.1916G>A on transcript NM_000214.3 (MANE Select); coding-DNA position 1916, G replaced by A.
Protein change: p.Arg639Lys; replaces arginine 639 with lysine.
Molecular consequence: missense variant.
Genome position (GRCh38, 1-based): chr20:10,646,054, C>T on the plus strand (G>A on the coding strand, the complement: JAG1 is on the minus strand). VCF-style: chr20-10646054-C-T. GRCh37 (hg19) VCF-style: chr20-10626702-C-T.
Other names: short protein forms R639K.
Identifiers: ClinVar variation 2514801 (VCV002514801.8), dbSNP rs1313242645, ClinGen allele CA408235836.